The following is an entry in ClinVar:

NM_173500.4(TTBK2):c.982del (p.Ile328fs)

Gene: TTBK2 (tau tubulin kinase 2; minus strand). Cytogenetic location: 15q15.2.
Variant type: Deletion.
Coding change: c.982del on transcript NM_173500.4 (MANE Select); coding-DNA position 982, one base deleted (A; older notation c.982delA).
Protein change: p.Ile328fs; shifts the reading frame from isoleucine 328.
Molecular consequence: frameshift variant.
Genome position (GRCh38, 1-based): chr15:42,783,634, T deleted on the plus strand (A on the coding strand, the reverse complement: TTBK2 is on the minus strand); the first of 2 consecutive T bases (chr15:42,783,634-42,783,635); deleting either gives the same sequence. VCF-style (leftmost placement, unchanged base first): chr15-42783633-AT-A. GRCh37 (hg19) VCF-style: chr15-43075831-AT-A.
Other names: short protein forms I328fs.
Identifiers: ClinVar variation 841559 (VCV000841559.10), dbSNP rs1303056922, ClinGen allele CA617624254.

ClinVar aggregate classification (germline): Uncertain significance. Review status: criteria provided, multiple submitters, no conflicts (2 of 4 stars). 2 submissions from 2 submitters: Uncertain significance (2). Last evaluated 2023-08-02.

Submissions (2):

GeneDx
Classification: Uncertain significance. Last evaluated: 2023-08-02. Review status: criteria provided, single submitter. Criteria: GeneDx Variant Classification Process June 2021. Collection method: clinical testing. Allele origin: germline. Affected: yes.
Comment: Not observed at significant frequency in large population cohorts (gnomAD); Frameshift variant predicted to result in protein truncation or nonsense mediated decay in a gene or region of a gene for which loss of function is not a well-established mechanism of disease; Has not been previously published as pathogenic or benign to our knowledge

Labcorp Genetics (formerly Invitae), Labcorp
Classification: Uncertain significance. Last evaluated: 2023-01-11. Review status: criteria provided, single submitter. Criteria: Invitae Variant Classification Sherloc (09022015). Collection method: clinical testing. Allele origin: germline.
Comment: In summary, the available evidence is currently insufficient to determine the role of this variant in disease. Therefore, it has been classified as a Variant of Uncertain Significance. ClinVar contains an entry for this variant (Variation ID: 841559). This variant has not been reported in the literature in individuals affected with TTBK2-related conditions. This variant is present in population databases (no rsID available, gnomAD 0.0009%). This sequence change creates a premature translational stop signal (p.Ile328Leufs*66) in the TTBK2 gene. It is expected to result in an absent or disrupted protein product. However, the current clinical and genetic evidence is not sufficient to establish whether loss-of-function variants in TTBK2 cause disease.